The following is an entry in ClinVar:

ClinVar aggregate classification (germline): Uncertain significance (1 of 4 stars; one submission).

Submission:

GeneDx
Classification: Uncertain significance. Last evaluated: 2022-06-10. Review status: criteria provided, single submitter. Criteria: GeneDx Variant Classification Process June 2021. Collection method: clinical testing. Allele origin: germline. Affected: yes.
Comment: Not observed at significant frequency in large population cohorts (gnomAD); In silico analysis supports that this missense variant does not alter protein structure/function; Has not been previously published as pathogenic or benign to our knowledge

NM_001366145.2(TRPM3):c.3175A>G (p.Met1059Val)

Gene: TRPM3 (transient receptor potential cation channel subfamily M member 3; minus strand). Cytogenetic location: 9q21.12.
Variant type: single nucleotide variant.
Coding change: c.3175A>G on transcript NM_001366145.2 (MANE Select); coding-DNA position 3175, A replaced by G.
Protein change: p.Met1059Val; replaces methionine 1059 with valine.
Molecular consequence: missense variant.
Genome position (GRCh38, 1-based): chr9:70,591,079, T>C on the plus strand (A>G on the coding strand, the complement: TRPM3 is on the minus strand). VCF-style: chr9-70591079-T-C. GRCh37 (hg19) VCF-style: chr9-73205995-T-C.
Other names: c.3139A>G, p.Met1047Val (NM_001007471.4, NM_001366151.2); c.3145A>G, p.Met1049Val (NM_001366141.2, NM_001366143.2, NM_001366149.2); c.3181A>G, p.Met1061Val (NM_001366142.2); c.3175A>G, p.Met1059Val (NM_001366146.2); c.3250A>G, p.Met1084Val (NM_001366147.2, NM_001366152.2); c.3220A>G, p.Met1074Val (NM_001366148.2); c.3109A>G, p.Met1037Val (NM_001366150.2); c.2716A>G, p.Met906Val (NM_001366154.2, NM_024971.7); and 5 more; short protein forms M1037V, M1047V, M1049V, M1059V, M1061V, M1074V, M1084V, M884V.
Identifiers: ClinVar variation 1803521 (VCV001803521.1), dbSNP rs2538911332, ClinGen allele CA373554508.